The following is an entry in ClinVar:

ClinVar aggregate classification (germline): Uncertain significance (1 of 4 stars; one submission).

Conditions:
T-B+ severe combined immunodeficiency due to JAK3 deficiency. Also called: SCID, autosomal recessive, T-negative/B-positive type; SCID, T CELL-NEGATIVE, B CELL-POSITIVE, NK CELL-NEGATIVE. Identifiers: Orphanet 35078, MedGen C1833275, MONDO:0010938, OMIM 600802.

Allele frequency attached by ClinVar (database versions not stated): gnomAD exomes below 0.00001; TOPMed below 0.00001.

Submission:

Labcorp Genetics (formerly Invitae), Labcorp
Classification: Uncertain significance for T-B+ severe combined immunodeficiency due to JAK3 deficiency. Last evaluated: 2021-11-04. Review status: criteria provided, single submitter. Criteria: Invitae Variant Classification Sherloc (09022015). Collection method: clinical testing. Allele origin: germline.
Comment: This sequence change replaces valine, which is neutral and non-polar, with methionine, which is neutral and non-polar, at codon 372 of the JAK3 protein (p.Val372Met). This variant is not present in population databases (gnomAD no frequency). This variant has not been reported in the literature in individuals affected with JAK3-related conditions. Advanced modeling of protein sequence and biophysical properties (such as structural, functional, and spatial information, amino acid conservation, physicochemical variation, residue mobility, and thermodynamic stability) performed at Invitae indicates that this missense variant is not expected to disrupt JAK3 protein function. In summary, the available evidence is currently insufficient to determine the role of this variant in disease. Therefore, it has been classified as a Variant of Uncertain Significance.

NM_000215.4(JAK3):c.1114G>A (p.Val372Met)

Gene: JAK3 (Janus kinase 3; minus strand). Cytogenetic location: 19p13.11.
Variant type: single nucleotide variant.
Coding change: c.1114G>A on transcript NM_000215.4 (MANE Select); coding-DNA position 1114, G replaced by A.
Protein change: p.Val372Met; replaces valine 372 with methionine.
Molecular consequence: missense variant.
Genome position (GRCh38, 1-based): chr19:17,841,417, C>T on the plus strand (G>A on the coding strand, the complement: JAK3 is on the minus strand). VCF-style: chr19-17841417-C-T. GRCh37 (hg19) VCF-style: chr19-17952226-C-T.
Other names: short protein forms V372M.
Identifiers: ClinVar variation 1469659 (VCV001469659.3), dbSNP rs1360733708, ClinGen allele CA404771060.